The following is an entry in ClinVar:

ClinVar aggregate classification (germline): Uncertain significance (1 of 4 stars; one submission).

Conditions:
Cardiomyopathy (CMYO). Also called: Cardiomyopathies. Identifiers: Orphanet 167848, MedGen C0878544, MONDO:0004994, HP:0001638. Inheritance: Various modes of inheritance.

Submission:

Color Diagnostics, LLC DBA Color Health
Classification: Uncertain significance for Cardiomyopathy. Last evaluated: 2025-02-24. Review status: criteria provided, single submitter. Criteria: ACMG Guidelines, 2015. Collection method: clinical testing. Allele origin: germline.
Comment: This missense variant replaces proline with arginine at codon 143 of the MYL2 protein. Computational prediction suggests that this variant may have a deleterious impact on protein structure and function. To our knowledge, functional studies have not been reported for this variant. This variant has not been reported in individuals affected with MYL2-related disorders in the literature. This variant has been identified in 1/248938 chromosomes in the general population by the Genome Aggregation Database (gnomAD). The available evidence is insufficient to determine the role of this variant in disease conclusively. Therefore, this variant is classified as a Variant of Uncertain Significance.

NM_000432.4(MYL2):c.428C>G (p.Pro143Arg)

Gene: MYL2 (myosin light chain 2; minus strand). Cytogenetic location: 12q24.11.
Variant type: single nucleotide variant.
Coding change: c.428C>G on transcript NM_000432.4 (MANE Select); coding-DNA position 428, C replaced by G.
Protein change: p.Pro143Arg; replaces proline 143 with arginine.
Molecular consequence: missense variant.
Genome position (GRCh38, 1-based): chr12:110,911,150, G>C on the plus strand (C>G on the coding strand, the complement: MYL2 is on the minus strand). VCF-style: chr12-110911150-G-C. GRCh37 (hg19) VCF-style: chr12-111348954-G-C.
Other names: c.386C>G, p.Pro129Arg (NM_001406745.1); c.371C>G, p.Pro124Arg (NM_001406916.1); short protein forms P124R, P129R, P143R.
Identifiers: ClinVar variation 3893821 (VCV003893821.1).